The following is an entry in ClinVar:

ClinVar aggregate classification (germline): Uncertain significance (0 of 4 stars; one submission).

Submission:

Biesecker Lab/Clinical Genomics Section, National Institutes of Health
Classification: Uncertain significance. Last evaluated: 2012-07-13. Review status: no assertion criteria provided. Collection method: research. Allele origin: germline. Affected: no. Observed: 1 variant allele. Study: ClinSeq.
ClinVar note: Converted during submission from variant of unknown significance to Uncertain significance.

NM_020630.4:c.*750+d611T>C

Gene: RET (ret proto-oncogene; plus strand). Cytogenetic location: 10q11.21.
Variant type: single nucleotide variant.
Identifiers: ClinVar variation 41838 (VCV000041838.2).